The following is an entry in ClinVar:

ClinVar aggregate classification (germline): Uncertain significance. Review status: criteria provided, multiple submitters, no conflicts (2 of 4 stars). 2 submissions from 2 submitters: Uncertain significance (2). Last evaluated 2023-12-14.

Conditions:
Autosomal recessive limb-girdle muscular dystrophy type 2L (LGMDR12). Also called: Limb-Girdle Muscular Dystrophy R12 Anoctamin-5-Related (LGMD-R12); MUSCULAR DYSTROPHY, LIMB-GIRDLE, AUTOSOMAL RECESSIVE 12; Limb-girdle muscular dystrophy, type 2L. Identifiers: Orphanet 206549, MedGen C1969785, MONDO:0012652, OMIM 611307.
Gnathodiaphyseal dysplasia (GDD). Also called: GNATHODIAPHYSEAL SCLEROSIS; OSTEOGENESIS IMPERFECTA WITH UNUSUAL SKELETAL LESIONS. Identifiers: Orphanet 53697, MedGen C1833736, MONDO:0008151, OMIM 166260.

Allele frequency attached by ClinVar (database versions not stated): gnomAD exomes below 0.00001; TOPMed below 0.00001; gnomAD 0.00001; ExAC 0.00002.
gnomAD v4.1: 6 of 1,595,442 alleles (0.00038%); highest among the groups gnomAD compares: East Asian, 0.011%; no homozygotes.

Submissions (2):

Revvity Omics, Revvity
Classification: Uncertain significance. Last evaluated: 2023-12-14. Review status: criteria provided, single submitter. Criteria: ACMG Guidelines, 2015. Collection method: clinical testing. Allele origin: germline.

Labcorp Genetics (formerly Invitae), Labcorp
Classification: Uncertain significance for Autosomal recessive limb-girdle muscular dystrophy type 2L; Gnathodiaphyseal dysplasia. Last evaluated: 2023-07-14. Review status: criteria provided, single submitter. Criteria: Invitae Variant Classification Sherloc (09022015). Collection method: clinical testing. Allele origin: germline.
Comment: In summary, the available evidence is currently insufficient to determine the role of this variant in disease. Therefore, it has been classified as a Variant of Uncertain Significance. An algorithm developed to predict the effect of missense changes on protein structure and function (PolyPhen-2) suggests that this variant is likely to be disruptive. This variant has not been reported in the literature in individuals affected with ANO5-related conditions. This variant is present in population databases (rs747080002, gnomAD 0.03%). This sequence change replaces tyrosine, which is neutral and polar, with aspartic acid, which is acidic and polar, at codon 806 of the ANO5 protein (p.Tyr806Asp).

NM_213599.3(ANO5):c.2416T>G (p.Tyr806Asp)

Gene: ANO5 (anoctamin 5; plus strand). Cytogenetic location: 11p14.3.
Variant type: single nucleotide variant.
Coding change: c.2416T>G on transcript NM_213599.3 (MANE Select); coding-DNA position 2416, T replaced by G.
Protein change: p.Tyr806Asp; replaces tyrosine 806 with aspartic acid.
Molecular consequence: missense variant.
Genome position (GRCh38, 1-based): chr11:22,276,095, T>G. VCF-style: chr11-22276095-T-G. GRCh37 (hg19) VCF-style: chr11-22297641-T-G.
Other names: c.2413T>G, p.Tyr805Asp (NM_001142649.2); c.2374T>G, p.Tyr792Asp (NM_001410963.1); c.2371T>G, p.Tyr791Asp (NM_001410964.1); short protein forms Y791D, Y806D, Y792D, Y805D.
Identifiers: ClinVar variation 2930264 (VCV002930264.4), dbSNP rs747080002, ClinGen allele CA5923579.